The following is an entry in ClinVar:

ClinVar aggregate classification (germline): Pathogenic (1 of 4 stars; one submission).

Conditions:
Inborn genetic diseases. Identifiers: MedGen C0950123, MeSH D030342.

Submission:

Ambry Genetics
Classification: Pathogenic for Inborn genetic diseases. Last evaluated: 2026-09-09. Review status: criteria provided, single submitter. Criteria: Ambry Variant Classification Scheme 2023. Collection method: clinical testing. Allele origin: germline.
Comment: The c.6580C>T (p.Q2194*) alteration, located in exon 33 (coding exon 33) of the NOTCH3 gene, consists of a C to T substitution at nucleotide position 6580. This changes the amino acid from a glutamine (Q) to a stop codon at amino acid position 2194. This variant occurs at the 3' terminus of the NOTCH3 gene and is not expected to trigger nonsense-mediated mRNA decay. for NOTCH3-related lateral meningocele syndrome; however, its clinical significance for CADASIL is uncertain. This variant was not reported in population-based cohorts in the Genome Aggregation Database (gnomAD). This variant is located in a region of the protein where truncating variants that escape nonsense mediated mRNA decay have been reported as disease-causing for NOTCH3-related lateral meningocele syndrome (Gripp, 2015). Based on the available evidence, this alteration is classified as pathogenic.

Literature cited by the submitters: PubMed 25394726.

NM_000435.3(NOTCH3):c.6580C>T (p.Gln2194Ter)

Gene: NOTCH3 (notch receptor 3; minus strand). Cytogenetic location: 19p13.12.
Variant type: single nucleotide variant.
Coding change: c.6580C>T on transcript NM_000435.3 (MANE Select); coding-DNA position 6580, C replaced by T.
Protein change: p.Gln2194Ter; replaces glutamine 2194 with a stop codon.
Molecular consequence: nonsense.
Genome position (GRCh38, 1-based): chr19:15,161,048, G>A on the plus strand (C>T on the coding strand, the complement: NOTCH3 is on the minus strand). VCF-style: chr19-15161048-G-A. GRCh37 (hg19) VCF-style: chr19-15271859-G-A.
Other names: short protein forms Q2194*.
Identifiers: ClinVar variation 5025831 (VCV005025831.1).